The following is an entry in ClinVar:

ClinVar aggregate classification (germline): Uncertain significance. Review status: criteria provided, multiple submitters, no conflicts (2 of 4 stars). 2 submissions from 2 submitters: Uncertain significance (2). Last evaluated 2026-07-11.

Conditions:
Tuberous sclerosis 1 (TSC1). Identifiers: Orphanet 805, MedGen C1854465, MONDO:0008612, OMIM 191100.
Hereditary cancer-predisposing syndrome. Also called: Hereditary Cancer Syndrome; Tumor predisposition; Neoplastic Syndromes, Hereditary; Hereditary neoplastic syndrome. Identifiers: Orphanet 140162, MedGen C0027672, MeSH D009386, MONDO:0015356.

Submissions (2):

Ambry Genetics
Classification: Uncertain significance for Hereditary cancer-predisposing syndrome. Last evaluated: 2026-07-11. Review status: criteria provided, single submitter. Criteria: Ambry Variant Classification Scheme 2023. Collection method: clinical testing. Allele origin: germline.
Comment: The p.H181Q variant (also known as c.543T>A), located in coding exon 5 of the TSC1 gene, results from a T to A substitution at nucleotide position 543. The histidine at codon 181 is replaced by glutamine, an amino acid with highly similar properties. This amino acid position is conserved. In addition, this alteration is predicted to be deleterious by in silico analysis. Based on the available evidence, the clinical significance of this variant remains unclear.

Labcorp Genetics (formerly Invitae), Labcorp
Classification: Uncertain significance for Tuberous sclerosis 1. Last evaluated: 2024-08-27. Review status: criteria provided, single submitter. Criteria: Invitae Variant Classification Sherloc (09022015). Collection method: clinical testing. Allele origin: germline.
Comment: This sequence change replaces histidine, which is basic and polar, with glutamine, which is neutral and polar, at codon 181 of the TSC1 protein (p.His181Gln). This variant is not present in population databases (gnomAD no frequency). This variant has not been reported in the literature in individuals affected with TSC1-related conditions. ClinVar contains an entry for this variant (Variation ID: 1523835). Invitae Evidence Modeling of protein sequence and biophysical properties (such as structural, functional, and spatial information, amino acid conservation, physicochemical variation, residue mobility, and thermodynamic stability) indicates that this missense variant is not expected to disrupt TSC1 protein function with a negative predictive value of 95%. In summary, the available evidence is currently insufficient to determine the role of this variant in disease. Therefore, it has been classified as a Variant of Uncertain Significance.

NM_000368.5(TSC1):c.543T>A (p.His181Gln)

Gene: TSC1 (TSC complex subunit 1; minus strand). Cytogenetic location: 9q34.13.
Variant type: single nucleotide variant.
Coding change: c.543T>A on transcript NM_000368.5 (MANE Select); coding-DNA position 543, T replaced by A.
Protein change: p.His181Gln; replaces histidine 181 with glutamine.
Molecular consequence: missense variant.
Genome position (GRCh38, 1-based): chr9:132,921,939, A>T on the plus strand (T>A on the coding strand, the complement: TSC1 is on the minus strand). VCF-style: chr9-132921939-A-T. GRCh37 (hg19) VCF-style: chr9-135797326-A-T.
Other names: c.543T>A, p.His181Gln (NM_001162426.2); c.390T>A, p.His130Gln (NM_001162427.2); c.180T>A, p.His60Gln (NM_001362177.2); c.543T>A (NM_000368.4); short protein forms H130Q, H181Q, H60Q.
Identifiers: ClinVar variation 1523835 (VCV001523835.9), dbSNP rs762139762, ClinGen allele CA375372809.